The following is an entry in ClinVar:

ClinVar aggregate classification (germline): Likely pathogenic (1 of 4 stars; one submission).

Conditions:
PKD1L1-related disorder. Also called: PKD1L1-related condition.

Allele frequency attached by ClinVar (database versions not stated): TOPMed 0.00001; ExAC 0.00002; gnomAD exomes 0.00003; gnomAD 0.00005.
gnomAD v4.1: 44 of 1,613,744 alleles (0.0027%); highest among the groups gnomAD compares: Non-Finnish European, 0.0019%; no homozygotes.

Submission:

PreventionGenetics, part of Exact Sciences
Classification: Likely pathogenic for PKD1L1-related condition. Last evaluated: 2023-02-04. Review status: criteria provided, single submitter. Criteria: ACMG Guidelines, 2015. Collection method: clinical testing. Allele origin: germline.
Comment: The PKD1L1 c.7687-2A>G variant is predicted to disrupt the AG splice acceptor site and interfere with normal splicing. To our knowledge, this variant has not been reported in the literature. This variant is reported in 0.032% of alleles in individuals of European (Finnish) descent in gnomAD. Variants that disrupt consensus splice acceptor sites in PKD1L1 are expected to be pathogenic, and therefore this variant is interpreted as likely pathogenic.

NM_138295.5(PKD1L1):c.7687-2A>G

Genes: PKD1L1 (polycystin 1 like 1, transient receptor potential channel interacting; minus strand), PKD1L1-AS1 (PKD1L1 antisense RNA 1; plus strand). Cytogenetic location: 7p12.3.
Variant type: single nucleotide variant.
Coding change: c.7687-2A>G on transcript NM_138295.5 (MANE Select); the canonical splice acceptor site of the intron before coding-DNA position 7687, A replaced by G.
Molecular consequence: splice acceptor variant.
Genome position (GRCh38, 1-based): chr7:47,808,389, T>C on the plus strand (A>G on the coding strand, the complement: PKD1L1 is on the minus strand). VCF-style: chr7-47808389-T-C. GRCh37 (hg19) VCF-style: chr7-47847987-T-C.
Identifiers: ClinVar variation 2636016 (VCV002636016.1), dbSNP rs199776435, ClinGen allele CA4251944.
Genomic context (GRCh38, chr7:47,808,389, plus strand): 5'-AGAGTAACAAGGTGGCCGGAAACTGCATAGTAGGTGAGGCTCACTCCAACCACGGAGAGC[T>C]GGAACATCCAAGAGAAAGGCCCTCAGATGGCTCCTGAGGAAGGGCTTACCTGGCACCCCA-3'